The following is an entry in ClinVar:

ClinVar aggregate classification (germline): Benign (1 of 4 stars; one submission).

Conditions:
Cone-rod dystrophy 5 (CORD5). Identifiers: Orphanet 1872, MedGen C1832976, MONDO:0010969, OMIM 600977.

Allele frequency attached by ClinVar (database versions not stated): gnomAD 0.00057 and 0.00066; TOPMed 0.00083; 1000 Genomes Project 30x 0.00250; 1000 Genomes Project 0.00260.

Submission:

Illumina Laboratory Services, Illumina
Classification: Benign for Cone-rod dystrophy 5. Last evaluated: 2018-01-13. Review status: criteria provided, single submitter. Criteria: ICSL Variant Classification Criteria 13 December 2019. Collection method: clinical testing. Allele origin: germline.
Comment: This variant was observed in the ICSL laboratory as part of a predisposition screen in an ostensibly healthy population. It had not been previously curated by ICSL or reported in the Human Gene Mutation Database (HGMD: prior to June 1st, 2018), and was therefore a candidate for classification through an automated scoring system. Utilizing variant allele frequency, disease prevalence and penetrance estimates, and inheritance mode, an automated score was calculated to assess if this variant is too frequent to cause the disease. Based on the score and internal cut-off values, a variant classified as benign is not then subjected to further curation. The score for this variant resulted in a classification of benign for this disease.

NM_031220.4(PITPNM3):c.*3509C>T

Gene: PITPNM3 (PITPNM family member 3; minus strand). Cytogenetic location: 17p13.2.
Variant type: single nucleotide variant.
Coding change: c.*3509C>T on transcript NM_031220.4 (MANE Select); 3509 bases downstream of the stop codon, C replaced by T.
Molecular consequence: 3 prime UTR variant.
Genome position (GRCh38, 1-based): chr17:6,451,829, G>A on the plus strand (C>T on the coding strand, the complement: PITPNM3 is on the minus strand). VCF-style: chr17-6451829-G-A. GRCh37 (hg19) VCF-style: chr17-6355149-G-A.
Other names: c.*3509C>T (NM_001165966.2).
Identifiers: ClinVar variation 324661 (VCV000324661.5), dbSNP rs188088185, ClinGen allele CA10649874.